The following is an entry in ClinVar:

ClinVar aggregate classification (germline): Uncertain significance (1 of 4 stars; one submission).

Conditions:
Fanconi anemia (FA). Also called: Fanconi's anemia. Identifiers: Orphanet 84, MedGen C0015625, MeSH D005199, MONDO:0019391.

Submission:

Labcorp Genetics (formerly Invitae), Labcorp
Classification: Uncertain significance for Fanconi anemia. Last evaluated: 2024-12-24. Review status: criteria provided, single submitter. Criteria: Invitae Variant Classification Sherloc (09022015). Collection method: clinical testing. Allele origin: germline.
Comment: This sequence change falls in intron 8 of the FANCG gene. It does not directly change the encoded amino acid sequence of the FANCG protein. It affects a nucleotide within the consensus splice site. This variant is not present in population databases (gnomAD no frequency). This variant has not been reported in the literature in individuals affected with FANCG-related conditions. Variants that disrupt the consensus splice site are a relatively common cause of aberrant splicing (PMID: 17576681, 9536098). Algorithms developed to predict the effect of sequence changes on RNA splicing suggest that this variant is not likely to affect RNA splicing. In summary, the available evidence is currently insufficient to determine the role of this variant in disease. Therefore, it has been classified as a Variant of Uncertain Significance.

Literature cited by the submitters: PubMed 17576681; PubMed 9536098.

NM_004629.2(FANCG):c.1076+3G>A

Gene: FANCG (FA complementation group G; minus strand). Cytogenetic location: 9p13.3.
Variant type: single nucleotide variant.
Coding change: c.1076+3G>A on transcript NM_004629.2 (MANE Select); 3 bases into the intron after coding-DNA position 1076, G replaced by A.
Molecular consequence: intron variant.
Genome position (GRCh38, 1-based): chr9:35,076,429, C>T on the plus strand (G>A on the coding strand, the complement: FANCG is on the minus strand). VCF-style: chr9-35076429-C-T. GRCh37 (hg19) VCF-style: chr9-35076426-C-T.
Identifiers: ClinVar variation 3619002 (VCV003619002.2).